The following is an entry in ClinVar:

ClinVar aggregate classification (germline): Uncertain significance (1 of 4 stars; one submission).

Allele frequency attached by ClinVar (database versions not stated): TOPMed below 0.00001; gnomAD 0.00001.
gnomAD v4.1: 1 of 1,609,238 alleles (0.000062%); highest among the groups gnomAD compares: East Asian, 0.0022%; no homozygotes.

Submission:

Labcorp Genetics (formerly Invitae), Labcorp
Classification: Uncertain significance. Last evaluated: 2022-08-23. Review status: criteria provided, single submitter. Criteria: Invitae Variant Classification Sherloc (09022015). Collection method: clinical testing. Allele origin: germline.
Comment: In summary, the available evidence is currently insufficient to determine the role of this variant in disease. Therefore, it has been classified as a Variant of Uncertain Significance. Algorithms developed to predict the effect of missense changes on protein structure and function are either unavailable or do not agree on the potential impact of this missense change (SIFT: "Tolerated"; PolyPhen-2: "Possibly Damaging"; Align-GVGD: "Class C0"). ClinVar contains an entry for this variant (Variation ID: 1436792). This variant has not been reported in the literature in individuals affected with CFAP410-related conditions. This variant is not present in population databases (gnomAD no frequency). This sequence change replaces valine, which is neutral and non-polar, with isoleucine, which is neutral and non-polar, at codon 49 of the CFAP410 protein (p.Val49Ile).

NM_004928.3(CFAP410):c.145G>A (p.Val49Ile)

Gene: CFAP410 (cilia and flagella associated protein 410; minus strand). Cytogenetic location: 21q22.3.
Variant type: single nucleotide variant.
Coding change: c.145G>A on transcript NM_004928.3 (MANE Select); coding-DNA position 145, G replaced by A.
Protein change: p.Val49Ile; replaces valine 49 with isoleucine.
Molecular consequence: missense variant. On other transcripts: intron variant (1).
Genome position (GRCh38, 1-based): chr21:44,333,261, C>T on the plus strand (G>A on the coding strand, the complement: CFAP410 is on the minus strand). VCF-style: chr21-44333261-C-T. GRCh37 (hg19) VCF-style: chr21-45753144-C-T.
Other names: c.145G>A, p.Val49Ile (NM_001271440.2, NM_001271441.2); c.30-8G>A (NM_001271442.1); short protein forms V49I.
Identifiers: ClinVar variation 1436792 (VCV001436792.8), dbSNP rs1259203971, ClinGen allele CA410457772.
Genomic context (GRCh38, chr21:44,333,261, plus strand): 5'-GGTACAGCTCACTCAGGCGCTGGCACCGGCTCACAGGCTCCAGGGTGGAGATGCTGTTGA[C>T]ACTGCACGGAGACCAGCACAGTCAGCGAGGGACGTGGCCAGGGCCCCCAGGGCCACCTCT-3'
Protein context (NP_004919.1, residues 39-59): MPSLEVITLS[Val49Ile]NSISTLEPVS